The following is an entry in ClinVar:

ClinVar aggregate classification (germline): Pathogenic/Likely pathogenic. Review status: criteria provided, multiple submitters, no conflicts (2 of 4 stars). 2 submissions from 2 submitters: Pathogenic (1); Likely pathogenic (1). Last evaluated 2024-08-13.

Conditions:
Eichsfeld type congenital muscular dystrophy (CMYO3). Also called: MYOPATHY, SEPN1-RELATED; SELENON-related myopathy; Congenital myopathy 3 with rigid spine; Rigid spine muscular dystrophy 1. Identifiers: MedGen C0410180, MONDO:0100100, OMIM 602771.

Allele frequency attached by ClinVar (database versions not stated): gnomAD exomes below 0.00001.

Submissions (2):

Women's Health and Genetics/Laboratory Corporation of America, LabCorp
Classification: Likely pathogenic for Eichsfeld type congenital muscular dystrophy. Last evaluated: 2024-08-13. Review status: criteria provided, single submitter. Criteria: LabCorp Variant Classification Summary - May 2015. Collection method: clinical testing. Allele origin: germline.
Comment: Variant summary: SELENON c.2T>G (p.Met1Arg) alters the initiation codon and is predicted to result either in absence of the protein or truncation of the encoded protein due to translation initiation at a downstream codon. The next in-frame methionine is at codon 85, and there are several pathogenic variants reported upstream of this codon. The variant was absent in 24144 control chromosomes. The available data on variant occurrences in the general population are insufficient to allow any conclusion about variant significance. c.2T>G has been reported in the literature in at least one individual affected with Selenon-associated Muscular Dystrophy (Vill_2017). To our knowledge, no experimental evidence demonstrating an impact on protein function has been reported. ClinVar contains an entry for this variant (Variation ID: 461632). Based on the evidence outlined above, the variant was classified as likely pathogenic.

Labcorp Genetics (formerly Invitae), Labcorp
Classification: Pathogenic for Eichsfeld type congenital muscular dystrophy. Last evaluated: 2020-08-14. Review status: criteria provided, single submitter. Criteria: Invitae Variant Classification Sherloc (09022015). Collection method: clinical testing. Allele origin: germline.
Comment: This sequence change affects the initiator methionine of the SEPN1 mRNA. The next in-frame methionine is located at codon 85. The frequency data for this variant in the population databases is considered unreliable, as metrics indicate insufficient coverage at this position in the ExAC database. Disruption of initiator codon variants have been observed in individuals affected with clinical features of SEPN1-related disorders (PMID: 1219264, 23394784, 16779558). ClinVar contains an entry for this variant (Variation ID: 461632). For these reasons, this variant has been classified as Pathogenic.

Literature cited by the submitters: PubMed 29172004 (cited by Women's Health and Genetics/Laboratory Corporation of America, LabCorp); PubMed 1219264 (cited by Labcorp Genetics (formerly Invitae), Labcorp); PubMed 23394784 (cited by Labcorp Genetics (formerly Invitae), Labcorp); PubMed 16779558 (cited by Labcorp Genetics (formerly Invitae), Labcorp).

NM_206926.2(SELENON):c.2T>G (p.Met1Arg)

Gene: SELENON (selenoprotein N; plus strand). Cytogenetic location: 1p36.11.
Variant type: single nucleotide variant.
Coding change: c.2T>G on transcript NM_206926.2 (MANE Select); coding-DNA position 2, T replaced by G.
Protein change: p.Met1Arg; changes the start codon (methionine 1).
Molecular consequence: missense variant, initiator codon variant.
Genome position (GRCh38, 1-based): chr1:25,800,232, T>G. VCF-style: chr1-25800232-T-G. GRCh37 (hg19) VCF-style: chr1-26126723-T-G.
Other names: c.2T>G, p.Met1Arg (NM_020451.3); short protein forms M1R.
Identifiers: ClinVar variation 461632 (VCV000461632.14), dbSNP rs1174570887, ClinGen allele CA339105612.